The following is an entry in ClinVar:

NM_024408.4(NOTCH2):c.5155C>G (p.Arg1719Gly)

Gene: NOTCH2 (notch receptor 2; minus strand). Cytogenetic location: 1p12.
Variant type: single nucleotide variant.
Coding change: c.5155C>G on transcript NM_024408.4 (MANE Select); coding-DNA position 5155, C replaced by G.
Protein change: p.Arg1719Gly; replaces arginine 1719 with glycine.
Molecular consequence: missense variant.
Genome position (GRCh38, 1-based): chr1:119,922,294, G>C on the plus strand (C>G on the coding strand, the complement: NOTCH2 is on the minus strand). VCF-style: chr1-119922294-G-C. GRCh37 (hg19) VCF-style: chr1-120464917-G-C.
Other names: short protein forms R1719G.
Identifiers: ClinVar variation 2738032 (VCV002738032.3), dbSNP rs1195210396, ClinGen allele CA341886805.
Genomic context (GRCh38, chr1:119,922,294, plus strand): 5'-ACTTCAGCCCCACAGCATCCTGTCCCACTGGCTCACGACGCTTGTGATTGCTTGCATCTC[G>C]GCGAAGAGTGAAACCTTCAGGCAGCCAGAGAGAGCCATGCTTACGCTTTCGTTTTGCCAT-3'
Protein context (NP_077719.2, residues 1709-1729): LWLPEGFTLR[Arg1719Gly]DASNHKRREP

ClinVar aggregate classification (germline): Uncertain significance (1 of 4 stars; one submission).

Conditions:
Hajdu-Cheney syndrome (HJCYS). Also called: SERPENTINE FIBULA-POLYCYSTIC KIDNEY SYNDROME; Acroosteolysis dominant type; ACROOSTEOLYSIS WITH OSTEOPOROSIS AND CHANGES IN SKULL AND MANDIBLE. Identifiers: Orphanet 955, MedGen C0917715, MONDO:0007057, OMIM 102500.

Allele frequency attached by ClinVar (database versions not stated): TOPMed 0.00001.

Submission:

Labcorp Genetics (formerly Invitae), Labcorp
Classification: Uncertain significance for Hajdu-Cheney syndrome. Last evaluated: 2023-07-08. Review status: criteria provided, single submitter. Criteria: Invitae Variant Classification Sherloc (09022015). Collection method: clinical testing. Allele origin: germline.
Comment: This variant is not present in population databases (gnomAD no frequency). In summary, the available evidence is currently insufficient to determine the role of this variant in disease. Therefore, it has been classified as a Variant of Uncertain Significance. Advanced modeling of protein sequence and biophysical properties (such as structural, functional, and spatial information, amino acid conservation, physicochemical variation, residue mobility, and thermodynamic stability) performed at Invitae indicates that this missense variant is not expected to disrupt NOTCH2 protein function. This variant has not been reported in the literature in individuals affected with NOTCH2-related conditions. This sequence change replaces arginine, which is basic and polar, with glycine, which is neutral and non-polar, at codon 1719 of the NOTCH2 protein (p.Arg1719Gly).